The following is an entry in ClinVar:

NM_000257.4(MYH7):c.782C>T (p.Ala261Val)

Gene: MYH7 (myosin heavy chain 7; minus strand). Cytogenetic location: 14q11.2.
Variant type: single nucleotide variant.
Coding change: c.782C>T on transcript NM_000257.4 (MANE Select); coding-DNA position 782, C replaced by T.
Protein change: p.Ala261Val; replaces alanine 261 with valine.
Molecular consequence: missense variant.
Genome position (GRCh38, 1-based): chr14:23,431,432, G>A on the plus strand (C>T on the coding strand, the complement: MYH7 is on the minus strand). VCF-style: chr14-23431432-G-A. GRCh37 (hg19) VCF-style: chr14-23900641-G-A.
Other names: short protein forms A261V.
Identifiers: ClinVar variation 925648 (VCV000925648.5), dbSNP rs1892932955, ClinGen allele CA389052064.
Genomic context (GRCh38, chr14:23,431,432, plus strand): 5'-AGCAAGGGTGAGCTTAGGCTGAGCCTAGCAGATTCATGGCACTCACAGGTCTCTATGTCT[G>A]CAGATGCCAACTTTCCTGTTGCCCCAAAATGAATTCGAATGAATTTCCCCTGGAGAGATG-3'
Protein context (NP_000248.2, residues 251-271): HFGATGKLAS[Ala261Val]DIETYLLEKS

ClinVar aggregate classification (germline): Uncertain significance (1 of 4 stars; one submission).

Conditions:
Cardiomyopathy (CMYO). Also called: Cardiomyopathies. Identifiers: Orphanet 167848, MedGen C0878544, MONDO:0004994, HP:0001638. Inheritance: Various modes of inheritance.

Submission:

Color Diagnostics, LLC DBA Color Health
Classification: Uncertain significance for Cardiomyopathy. Last evaluated: 2023-12-05. Review status: criteria provided, single submitter. Criteria: ACMG Guidelines, 2015. Collection method: clinical testing. Allele origin: germline.
Comment: Variant of Uncertain Significance due to insufficient evidence: This missense variant replaces alanine with valine at codon 261 of the MYH7 protein. Computational prediction tools and conservation analyses are inconclusive regarding the impact of this variant on the protein function. Computational splicing tools suggest that this variant may not impact RNA splicing. To our knowledge, functional assays have not been performed for this variant nor has this variant been reported in individuals affected with cardiovascular disorders in the literature. This variant has not been identified in the general population by the Genome Aggregation Database (gnomAD). Available evidence is insufficient to determine the role of this variant in disease conclusively.